The following is an entry in ClinVar:

NM_005984.5(SLC25A1):c.203-13C>T

Gene: SLC25A1 (solute carrier family 25 member 1; minus strand). Cytogenetic location: 22q11.21.
Variant type: single nucleotide variant.
Coding change: c.203-13C>T on transcript NM_005984.5 (MANE Select); 13 bases into the intron before coding-DNA position 203, C replaced by T.
Molecular consequence: intron variant.
Genome position (GRCh38, 1-based): chr22:19,178,054, G>A on the plus strand (C>T on the coding strand, the complement: SLC25A1 is on the minus strand). VCF-style: chr22-19178054-G-A. GRCh37 (hg19) VCF-style: chr22-19165567-G-A.
Other names: c.-107-13C>T (NM_001287387.2); c.224-13C>T (NM_001256534.2).
Identifiers: ClinVar variation 391685 (VCV000391685.4), dbSNP rs11704767, ClinGen allele CA10097513.

ClinVar aggregate classification (germline): Likely benign. Review status: criteria provided, multiple submitters, no conflicts (2 of 4 stars). 2 submissions from 2 submitters: Likely benign (2). Last evaluated 2023-09-05.

Allele frequency attached by ClinVar (database versions not stated): gnomAD exomes 0.00001; TOPMed 0.00002; gnomAD 0.00003.
gnomAD v4.1: 80 of 1,574,656 alleles (0.0051%); highest among the groups gnomAD compares: Non-Finnish European, 0.006%; no homozygotes.

Submissions (2):

Labcorp Genetics (formerly Invitae), Labcorp
Classification: Likely benign. Last evaluated: 2023-09-05. Review status: criteria provided, single submitter. Criteria: Invitae Variant Classification Sherloc (09022015). Collection method: clinical testing. Allele origin: germline.

GeneDx
Classification: Likely benign. Last evaluated: 2016-12-15. Review status: criteria provided, single submitter. Criteria: GeneDx Variant Classification (06012015). Collection method: clinical testing. Allele origin: germline. Affected: yes.
Comment: This variant is considered likely benign or benign based on one or more of the following criteria: it is a conservative change, it occurs at a poorly conserved position in the protein, it is predicted to be benign by multiple in silico algorithms, and/or has population frequency not consistent with disease.